The following is an entry in ClinVar:

NM_004168.4(SDHA):c.62C>T (p.Ala21Val)

Gene: SDHA (succinate dehydrogenase complex flavoprotein subunit A; plus strand). Cytogenetic location: 5p15.33.
Variant type: single nucleotide variant.
Coding change: c.62C>T on transcript NM_004168.4 (MANE Select); coding-DNA position 62, C replaced by T.
Protein change: p.Ala21Val; replaces alanine 21 with valine.
Molecular consequence: missense variant.
Genome position (GRCh38, 1-based): chr5:218,417, C>T. VCF-style: chr5-218417-C-T. GRCh37 (hg19) VCF-style: chr5-218532-C-T.
Other names: c.62C>T (NM_004168.2); c.62C>T, p.Ala21Val (NM_001294332.2, NM_001330758.2); short protein forms A21V.
Identifiers: ClinVar variation 1394524 (VCV001394524.8), dbSNP rs2126522821, ClinGen allele CA359007483.
Genomic context (GRCh38, chr5:218,417, plus strand): 5'-TGTCGGGGGTCCGGGGCCTGTCGCGGCTGCTGAGCGCTCGGCGCCTGGCGCTGGCCAAGG[C>T]GGTGAGTCCGTGCCGCGGACCGGGGCGGGGCAGGCGGGGGCCGAGGCGGCGGTAGGAGCG-3'
Protein context (NP_004159.2, residues 11-31): LSARRLALAK[Ala21Val]WPTVLQTGTR

ClinVar aggregate classification (germline): Uncertain significance. Review status: criteria provided, multiple submitters, no conflicts (2 of 4 stars). 2 submissions from 2 submitters: Uncertain significance (2). Last evaluated 2026-02-05.

Conditions:
Mitochondrial complex II deficiency, nuclear type 1. Also called: SUCCINATE CoQ REDUCTASE DEFICIENCY. Identifiers: Orphanet 3208, MedGen C5700310, MONDO:0100294, OMIM 252011.
Pheochromocytoma/paraganglioma syndrome 5. Also called: Paragangliomas 5; SDHA-Related Hereditary Paraganglioma-Pheochromocytoma Syndrome. Identifiers: Orphanet 29072, MedGen C3279992, MONDO:0013602, OMIM 614165.
Hereditary cancer-predisposing syndrome. Also called: Tumor predisposition; Hereditary Cancer Syndrome; Hereditary neoplastic syndrome; Neoplastic Syndromes, Hereditary. Identifiers: Orphanet 140162, MedGen C0027672, MeSH D009386, MONDO:0015356.

Submissions (2):

Ambry Genetics
Classification: Uncertain significance for Hereditary cancer-predisposing syndrome. Last evaluated: 2026-02-05. Review status: criteria provided, single submitter. Criteria: Ambry Variant Classification Scheme 2023. Collection method: clinical testing. Allele origin: germline.
Comment: The p.A21V variant (also known as c.62C>T), located in coding exon 1 of the SDHA gene, results from a C to T substitution at nucleotide position 62. The alanine at codon 21 is replaced by valine, an amino acid with similar properties. This amino acid position is not well conserved in available vertebrate species. In silico splice site analysis predicts that this alteration will result in the creation or strengthening of a novel splice donor site; however, direct evidence is insufficient at this time (Ambry internal data). Based on the available evidence, the clinical significance of this variant remains unclear.

Labcorp Genetics (formerly Invitae), Labcorp
Classification: Uncertain significance for Pheochromocytoma/paraganglioma syndrome 5; Mitochondrial complex II deficiency, nuclear type 1. Last evaluated: 2025-09-23. Review status: criteria provided, single submitter. Criteria: Invitae Variant Classification Sherloc (09022015). Collection method: clinical testing. Allele origin: germline.
Comment: This sequence change replaces alanine, which is neutral and non-polar, with valine, which is neutral and non-polar, at codon 21 of the SDHA protein (p.Ala21Val). This variant is not present in population databases (gnomAD no frequency). This variant has not been reported in the literature in individuals affected with SDHA-related conditions. ClinVar contains an entry for this variant (Variation ID: 1394524). An algorithm developed to predict the effect of missense changes on protein structure and function outputs the following: PolyPhen-2: "Benign". The valine amino acid residue is found in multiple mammalian species, which suggests that this missense change does not adversely affect protein function. In summary, the available evidence is currently insufficient to determine the role of this variant in disease. Therefore, it has been classified as a Variant of Uncertain Significance.